The following is an entry in ClinVar:

NM_000298.6(PKLR):c.1442C>T (p.Ala481Val)

Gene: PKLR (pyruvate kinase L/R; minus strand). Cytogenetic location: 1q22.
Variant type: single nucleotide variant.
Coding change: c.1442C>T on transcript NM_000298.6 (MANE Select); coding-DNA position 1442, C replaced by T.
Protein change: p.Ala481Val; replaces alanine 481 with valine.
Molecular consequence: missense variant.
Genome position (GRCh38, 1-based): chr1:155,291,932, G>A on the plus strand (C>T on the coding strand, the complement: PKLR is on the minus strand). VCF-style: chr1-155291932-G-A. GRCh37 (hg19) VCF-style: chr1-155261723-G-A.
Other names: p.Ala481Val; c.1349C>T, p.Ala450Val (NM_181871.4); short protein forms A450V, A481V.
Identifiers: ClinVar variation 2434903 (VCV002434903.4), dbSNP rs773040738, ClinGen allele CA1143994.

ClinVar aggregate classification (germline): Uncertain significance. Review status: criteria provided, multiple submitters, no conflicts (2 of 4 stars). 2 submissions from 2 submitters: Uncertain significance (2). Last evaluated 2025-05-06.

Allele frequency attached by ClinVar (database versions not stated): ExAC 0.00002.
gnomAD v4.1: 67 of 1,612,930 alleles (0.0042%); highest among the groups gnomAD compares: Non-Finnish European, 0.0052%; no homozygotes.

Submissions (2):

Mayo Clinic Laboratories, Mayo Clinic
Classification: Uncertain significance. Last evaluated: 2025-05-06. Review status: criteria provided, single submitter. Criteria: ACMG Guidelines, 2015. Collection method: clinical testing. Allele origin: germline. Observed: 1 variant allele.
Comment: PP3_strong, PM2_supporting

Revvity Omics, Revvity
Classification: Uncertain significance. Last evaluated: 2023-01-17. Review status: criteria provided, single submitter. Criteria: ACMG Guidelines, 2015. Collection method: clinical testing. Allele origin: germline.